The following is an entry in ClinVar:

NM_002335.4(LRP5):c.4183C>A (p.Leu1395Ile)

Gene: LRP5 (LDL receptor related protein 5; plus strand). Cytogenetic location: 11q13.2.
Variant type: single nucleotide variant.
Coding change: c.4183C>A on transcript NM_002335.4 (MANE Select); coding-DNA position 4183, C replaced by A.
Protein change: p.Leu1395Ile; replaces leucine 1395 with isoleucine.
Molecular consequence: missense variant.
Genome position (GRCh38, 1-based): chr11:68,438,517, C>A. VCF-style: chr11-68438517-C-A. GRCh37 (hg19) VCF-style: chr11-68205985-C-A.
Other names: c.2440C>A, p.Leu814Ile (NM_001291902.2); short protein forms L1395I, L814I.
Identifiers: ClinVar variation 969283 (VCV000969283.12), dbSNP rs1171364244, ClinGen allele CA381614961.

ClinVar aggregate classification (germline): Uncertain significance. Review status: criteria provided, multiple submitters, no conflicts (2 of 4 stars). 4 submissions from 4 submitters: Uncertain significance (4). Last evaluated 2026-03-11.

Conditions:
LRP5-related disorder. Also called: LRP5-related condition.
Osteoporosis with pseudoglioma (OPPG). Also called: osteoporosis-pseudoglioma syndrome. Identifiers: Orphanet 2788, MedGen C0432252, MONDO:0009820, OMIM 259770.
Polycystic liver disease 4 with or without kidney cysts. Identifiers: MedGen C4693479, MONDO:0044327, OMIM 617875.
Worth disease. Also called: OSTEOSCLEROSIS, AUTOSOMAL DOMINANT; ENDOSTEAL HYPEROSTOSIS, AUTOSOMAL DOMINANT; Autosomal dominant osteosclerosis, Worth type. Identifiers: Orphanet 2790, MedGen C0432273, MONDO:0007764, OMIM 144750.
Exudative vitreoretinopathy 4 (EVR4). Identifiers: Orphanet 891, MedGen C1866176, MONDO:0011151, OMIM 601813.
Bone mineral density quantitative trait locus 1 (BMND1). Identifiers: MedGen C1866079, OMIM 601884.
Autosomal dominant osteopetrosis 1 (OPTA1). Also called: OSTEOPETROSIS, AUTOSOMAL DOMINANT, TYPE I. Identifiers: Orphanet 2783, MedGen C1843330, MONDO:0011877, OMIM 607634.

Allele frequency attached by ClinVar (database versions not stated): TOPMed 0.00001; gnomAD 0.00002.
gnomAD v4.1: 15 of 1,614,094 alleles (0.00093%); highest among the groups gnomAD compares: Non-Finnish European, 0.0013%; no homozygotes.

Submissions (4):

PreventionGenetics, part of Exact Sciences
Classification: Uncertain significance for LRP5-related condition. Last evaluated: 2026-03-11. Review status: criteria provided, single submitter. Criteria: ACMG Guidelines, 2015. Collection method: clinical testing. Allele origin: germline.
Comment: The LRP5 c.4183C>A variant is predicted to result in the amino acid substitution p.Leu1395Ile. To our knowledge, this variant has not been reported in the literature. This variant is reported in 0.0065% of alleles in individuals of European (Non-Finnish) descent in gnomAD. At this time, the clinical significance of this variant is uncertain due to the absence of conclusive functional and genetic evidence.

Labcorp Genetics (formerly Invitae), Labcorp
Classification: Uncertain significance. Last evaluated: 2025-06-10. Review status: criteria provided, single submitter. Criteria: Invitae Variant Classification Sherloc (09022015). Collection method: clinical testing. Allele origin: germline.
Comment: This sequence change replaces leucine, which is neutral and non-polar, with isoleucine, which is neutral and non-polar, at codon 1395 of the LRP5 protein (p.Leu1395Ile). This variant is present in population databases (no rsID available, gnomAD 0.007%). This variant has not been reported in the literature in individuals affected with LRP5-related conditions. ClinVar contains an entry for this variant (Variation ID: 969283). Invitae Evidence Modeling of protein sequence and biophysical properties (such as structural, functional, and spatial information, amino acid conservation, physicochemical variation, residue mobility, and thermodynamic stability) indicates that this missense variant is not expected to disrupt LRP5 protein function with a negative predictive value of 95%. In summary, the available evidence is currently insufficient to determine the role of this variant in disease. Therefore, it has been classified as a Variant of Uncertain Significance.

Fulgent Genetics
Classification: Uncertain significance for Worth disease; Osteoporosis with pseudoglioma; Exudative vitreoretinopathy 4; Bone mineral density quantitative trait locus 1; Autosomal dominant osteopetrosis 1; Polycystic liver disease 4 with or without kidney cysts. Last evaluated: 2024-04-25. Review status: criteria provided, single submitter. Criteria: ACMG Guidelines, 2015. Collection method: clinical testing. Allele origin: germline.

Blueprint Genetics
Classification: Uncertain significance. Last evaluated: 2022-05-03. Review status: criteria provided, single submitter. Criteria: ACMG Guidelines, 2015. Collection method: clinical testing. Allele origin: germline.